The following is an entry in ClinVar:

NM_000748.3(CHRNB2):c.71G>A (p.Trp24Ter)

Gene: CHRNB2 (cholinergic receptor nicotinic beta 2 subunit; plus strand). Cytogenetic location: 1q21.3.
Variant type: single nucleotide variant.
Coding change: c.71G>A on transcript NM_000748.3 (MANE Select); coding-DNA position 71, G replaced by A.
Protein change: p.Trp24Ter; replaces tryptophan 24 with a stop codon.
Molecular consequence: nonsense.
Genome position (GRCh38, 1-based): chr1:154,569,468, G>A. VCF-style: chr1-154569468-G-A. GRCh37 (hg19) VCF-style: chr1-154541944-G-A.
Other names: short protein forms W24*.
Identifiers: ClinVar variation 4975315 (VCV004975315.1).
Genomic context (GRCh38, chr1:154,569,468, plus strand): 5'-GCTGGGTGGGCTCTCCTTGCCTGCTTACTTTCGTCCTGCCTTTCCCCTGCCCAGGGGTGT[G>A]GGGTACGGATACAGAGGAGCGGCTGGTGGAGCATCTCCTGGATCCTTCCCGCTACAACAA-3'

ClinVar aggregate classification (germline): Uncertain significance (1 of 4 stars; one submission).

Submission:

GeneDx
Classification: Uncertain significance. Last evaluated: 2026-01-27. Review status: criteria provided, single submitter. Criteria: GeneDx Variant Classification Process June 2021. Collection method: clinical testing. Allele origin: germline.
Comment: Not observed at significant frequency in large population cohorts (gnomAD); Nonsense variant predicted to result in protein truncation or nonsense mediated decay in a gene or region of a gene for which loss of function is not a well-established mechanism of disease; Has not been previously published as pathogenic or benign to our knowledge